The following is an entry in ClinVar:

NM_198576.4(AGRN):c.2555A>G (p.Gln852Arg)

Gene: AGRN (agrin; plus strand). Cytogenetic location: 1p36.33.
Variant type: single nucleotide variant.
Coding change: c.2555A>G on transcript NM_198576.4 (MANE Select); coding-DNA position 2555, A replaced by G.
Protein change: p.Gln852Arg; replaces glutamine 852 with arginine.
Molecular consequence: missense variant.
Genome position (GRCh38, 1-based): chr1:1,045,751, A>G. VCF-style: chr1-1045751-A-G. GRCh37 (hg19) VCF-style: chr1-981131-A-G.
Other names: p.Gln852Arg; c.2555A>G, p.Gln852Arg (NM_001305275.2); c.2240A>G, p.Gln747Arg (NM_001364727.2); short protein forms Q852R, Q747R.
Identifiers: ClinVar variation 263173 (VCV000263173.13), dbSNP rs9697293, ClinGen allele CA508698.

ClinVar aggregate classification (germline): Benign. Review status: criteria provided, multiple submitters, no conflicts (2 of 4 stars). 5 submissions from 5 submitters: Benign (5). Last evaluated 2026-02-02.

Conditions:
Congenital myasthenic syndrome 8. Also called: Myasthenic syndrome, congenital, 8, with pre- and postsynaptic defects; MYASTHENIC SYNDROME, CONGENITAL, DUE TO AGRIN DEFICIENCY. Identifiers: Orphanet 590, MedGen C3808739, MONDO:0014052, OMIM 615120.

Allele frequency attached by ClinVar (database versions not stated): gnomAD exomes 0.00592 and 0.01226; ExAC 0.01374; ESP Exome Variant Server 0.02453; gnomAD 0.02502 and 0.02583; TOPMed 0.02553; 1000 Genomes Project 0.03454; 1000 Genomes Project 30x 0.03748.

Submissions (5):

Labcorp Genetics (formerly Invitae), Labcorp
Classification: Benign for Congenital myasthenic syndrome 8. Last evaluated: 2026-02-02. Review status: criteria provided, single submitter. Criteria: Invitae Variant Classification Sherloc (09022015). Collection method: clinical testing. Allele origin: germline.

Mayo Clinic Laboratories, Mayo Clinic
Classification: Benign. Last evaluated: 2024-07-30. Review status: criteria provided, single submitter. Criteria: ACMG Guidelines, 2015. Collection method: clinical testing. Allele origin: germline. Observed: 2 variant alleles.
Comment: BA1

GeneDx
Classification: Benign. Last evaluated: 2016-12-31. Review status: criteria provided, single submitter. Criteria: GeneDx Variant Classification (06012015). Collection method: clinical testing. Allele origin: germline. Affected: yes.
Comment: This variant is considered likely benign or benign based on one or more of the following criteria: it is a conservative change, it occurs at a poorly conserved position in the protein, it is predicted to be benign by multiple in silico algorithms, and/or has population frequency not consistent with disease.

Breakthrough Genomics
Classification: Benign. Review status: criteria provided, single submitter. Criteria: ACMG Guidelines, 2015. Collection method: not provided. Allele origin: germline. Inheritance: Autosomal recessive inheritance. Affected: yes.

PreventionGenetics, part of Exact Sciences
Classification: Benign. Review status: criteria provided, single submitter. Criteria: ACMG Guidelines, 2015. Collection method: clinical testing. Allele origin: germline.